The following is an entry in ClinVar:

ClinVar aggregate classification (germline): Conflicting classifications of pathogenicity. Review status: criteria provided, conflicting classifications (1 of 4 stars). 2 submissions from 2 submitters: Uncertain significance (1); Benign (1). Last evaluated 2025-12-16.

Conditions:
Primary ciliary dyskinesia. Also called: Ciliary dyskinesia. Identifiers: Orphanet 244, MedGen C0008780, MONDO:0016575, HP:0012265.

Allele frequency attached by ClinVar (database versions not stated): gnomAD exomes 0.00004; ExAC 0.00005; gnomAD 0.00010; TOPMed 0.00013.
gnomAD v4.1: 76 of 1,613,342 alleles (0.0047%); highest among the groups gnomAD compares: African/African-American, 0.027%; no homozygotes.

Submissions (2):

Labcorp Genetics (formerly Invitae), Labcorp
Classification: Benign for Primary ciliary dyskinesia. Last evaluated: 2025-12-16. Review status: criteria provided, single submitter. Criteria: Invitae Variant Classification Sherloc (09022015). Collection method: clinical testing. Allele origin: germline.

GeneDx
Classification: Uncertain significance. Last evaluated: 2021-11-18. Review status: criteria provided, single submitter. Criteria: GeneDx Variant Classification Process June 2021. Collection method: clinical testing. Allele origin: germline. Affected: yes.
Comment: In silico analysis supports that this missense variant has a deleterious effect on protein structure/function; Has not been previously published as pathogenic or benign to our knowledge

NM_001277115.2(DNAH11):c.9860G>A (p.Arg3287Gln)

Gene: DNAH11 (dynein axonemal heavy chain 11; plus strand). Cytogenetic location: 7p15.3.
Variant type: single nucleotide variant.
Coding change: c.9860G>A on transcript NM_001277115.2 (MANE Select); coding-DNA position 9860, G replaced by A.
Protein change: p.Arg3287Gln; replaces arginine 3287 with glutamine.
Molecular consequence: missense variant.
Genome position (GRCh38, 1-based): chr7:21,787,519, G>A. VCF-style: chr7-21787519-G-A. GRCh37 (hg19) VCF-style: chr7-21827137-G-A.
Other names: short protein forms R3287Q.
Identifiers: ClinVar variation 1686737 (VCV001686737.5), dbSNP rs750119982, ClinGen allele CA4182136.